The following is an entry in ClinVar:

NM_000074.3(CD40LG):c.107T>G (p.Met36Arg)

Gene: CD40LG (CD40 ligand; plus strand). Cytogenetic location: Xq26.3.
Variant type: single nucleotide variant.
Coding change: c.107T>G on transcript NM_000074.3 (MANE Select); coding-DNA position 107, T replaced by G.
Protein change: p.Met36Arg; replaces methionine 36 with arginine.
Molecular consequence: missense variant.
Genome position (GRCh38, 1-based): chrX:136,648,355, T>G. VCF-style: chrX-136648355-T-G. GRCh37 (hg19) VCF-style: chrX-135730514-T-G.
Other names: short protein forms M36R.
Identifiers: ClinVar variation 11162 (VCV000011162.14), dbSNP rs104894774, ClinGen allele CA255749.

ClinVar aggregate classification (germline): Pathogenic/Likely pathogenic. Review status: criteria provided, multiple submitters, no conflicts (2 of 4 stars). 3 submissions from 3 submitters: Pathogenic (1); Likely pathogenic (1). 1 of the submissions does not count toward it. Last evaluated 2022-02-11.

Conditions:
Hyper-IgM syndrome type 1. Also called: Hyper-IgM Immunodeficiency Syndrome, Type 1; CD40 Ligand Deficiency; Immunodeficiency, X-linked, with hyper-IgM; X-linked hyper-IgM syndrome. Identifiers: Orphanet 101088, MedGen C0398689, MONDO:0010626, OMIM 308230.

Submissions (3):

Labcorp Genetics (formerly Invitae), Labcorp
Classification: Pathogenic for Hyper-IgM syndrome type 1. Last evaluated: 2022-02-11. Review status: criteria provided, single submitter. Criteria: Invitae Variant Classification Sherloc (09022015). Collection method: clinical testing. Allele origin: germline.
Comment: This sequence change replaces methionine, which is neutral and non-polar, with arginine, which is basic and polar, at codon 36 of the CD40LG protein (p.Met36Arg). This variant is not present in population databases (gnomAD no frequency). This missense change has been observed in individual(s) with X-linked hyper-IgM syndrome (PMID: 7679206, 15358621). ClinVar contains an entry for this variant (Variation ID: 11162). Advanced modeling of protein sequence and biophysical properties (such as structural, functional, and spatial information, amino acid conservation, physicochemical variation, residue mobility, and thermodynamic stability) performed at Invitae indicates that this missense variant is expected to disrupt CD40LG protein function. Experimental studies have shown that this missense change affects CD40LG function (PMID: 10559240). For these reasons, this variant has been classified as Pathogenic.

Molecular Diagnostics Laboratory, M Health Fairview: University of Minnesota
Classification: Likely pathogenic for Hyper-IgM syndrome type 1. Last evaluated: 2018-08-14. Review status: criteria provided, single submitter. Criteria: ACMG Guidelines, 2015. Collection method: clinical testing. Allele origin: germline. Affected: yes. Observed: 1 variant allele.

OMIM
Classification: Pathogenic for IMMUNODEFICIENCY WITH HYPER-IgM, TYPE 1. Last evaluated: 1993-02-11. Review status: no assertion criteria provided. Collection method: literature only. Allele origin: germline. Not counted in ClinVar's aggregate classification.

Literature cited by the submitters: PubMed 7679206 (cited by 3 submitters); PubMed 15358621 (cited by Labcorp Genetics (formerly Invitae), Labcorp); PubMed 10559240 (cited by Labcorp Genetics (formerly Invitae), Labcorp); PubMed 7916370 (cited by Molecular Diagnostics Laboratory, M Health Fairview: University of Minnesota); PubMed 1427881 (cited by Molecular Diagnostics Laboratory, M Health Fairview: University of Minnesota).